The following is an entry in ClinVar:

NC_000015.9:g.(?_40500828)_(40500981_?)del

Gene: BUB1B (BUB1 mitotic checkpoint serine/threonine kinase B; plus strand). Cytogenetic location: 15q15.1.
Variant type: Deletion.
Identifiers: ClinVar variation 3243777 (VCV003243777.1).

ClinVar aggregate classification (germline): Pathogenic (1 of 4 stars; one submission).

Conditions:
Mosaic variegated aneuploidy syndrome 1 (MVA1). Also called: Warburton-Anyane-Yeboa syndrome. Identifiers: Orphanet 1052, MedGen C1850343, MONDO:0009759, OMIM 257300.

Submission:

Labcorp Genetics (formerly Invitae), Labcorp
Classification: Pathogenic for Mosaic variegated aneuploidy syndrome 1. Last evaluated: 2023-11-20. Review status: criteria provided, single submitter. Criteria: Invitae Variant Classification Sherloc (09022015). Collection method: clinical testing. Allele origin: unknown.
Comment: This variant is a gross deletion of the genomic region encompassing exon(s) 16 of the BUB1B gene. This deletion is out-of-frame, and is expected to create a premature termination codon and result in an absent or disrupted protein product. Loss-of-function variants in BUB1B are known to be pathogenic (PMID: 15475955, 21190457). This variant has not been reported in the literature in individuals affected with BUB1B-related conditions. For these reasons, this variant has been classified as Pathogenic.

Literature cited by the submitters: PubMed 15475955; PubMed 21190457.